The following is an entry in ClinVar:

ClinVar aggregate classification (germline): Pathogenic (1 of 4 stars; one submission).

Submission:

GeneDx
Classification: Pathogenic. Last evaluated: 2021-05-03. Review status: criteria provided, single submitter. Criteria: GeneDx Variant Classification Process June 2021. Collection method: clinical testing. Allele origin: germline. Affected: yes.
Comment: Nonsense variant in the C-terminus predicted to result in protein truncation, as the last 284 amino acids are lost, and other loss-of-function variants have been reported downstream in the Human Gene Mutation Database (Stenson et al., 2014); Not observed in large population cohorts (Lek et al., 2016); This variant is associated with the following publications: (PMID: 33860785)

NM_000307.5(POU3F4):c.232C>T (p.Gln78Ter)

Gene: POU3F4 (POU class 3 homeobox 4; plus strand). Cytogenetic location: Xq21.1.
Variant type: single nucleotide variant.
Coding change: c.232C>T on transcript NM_000307.5 (MANE Select); coding-DNA position 232, C replaced by T.
Protein change: p.Gln78Ter; replaces glutamine 78 with a stop codon.
Molecular consequence: nonsense.
Genome position (GRCh38, 1-based): chrX:83,508,556, C>T. VCF-style: chrX-83508556-C-T. GRCh37 (hg19) VCF-style: chrX-82763564-C-T.
Other names: short protein forms Q78*.
Identifiers: ClinVar variation 426228 (VCV000426228.3), dbSNP rs1085307512, ClinGen allele CA413751087.